The following is an entry in ClinVar:

NM_001429.4(EP300):c.5053G>C (p.Val1685Leu)

Gene: EP300 (EP300 lysine acetyltransferase; plus strand). Cytogenetic location: 22q13.2.
Variant type: single nucleotide variant.
Coding change: c.5053G>C on transcript NM_001429.4 (MANE Select); coding-DNA position 5053, G replaced by C.
Protein change: p.Val1685Leu; replaces valine 1685 with leucine.
Molecular consequence: missense variant.
Genome position (GRCh38, 1-based): chr22:41,176,520, G>C. VCF-style: chr22-41176520-G-C. GRCh37 (hg19) VCF-style: chr22-41572524-G-C.
Other names: c.4975G>C, p.Val1659Leu (NM_001362843.2); short protein forms V1659L, V1685L.
Identifiers: ClinVar variation 2002086 (VCV002002086.4), dbSNP rs2145513962, ClinGen allele CA411707849.

ClinVar aggregate classification (germline): Uncertain significance (1 of 4 stars; one submission).

Conditions:
Rubinstein-Taybi syndrome due to EP300 haploinsufficiency. Also called: EP300-Related Rubinstein-Taybi Syndrome; RUBINSTEIN-TAYBI SYNDROME 2. Identifiers: Orphanet 353284, Orphanet 783, MedGen C3150941, MONDO:0013364, OMIM 613684.

Submission:

Labcorp Genetics (formerly Invitae), Labcorp
Classification: Uncertain significance for Rubinstein-Taybi syndrome due to EP300 haploinsufficiency. Last evaluated: 2022-06-16. Review status: criteria provided, single submitter. Criteria: Invitae Variant Classification Sherloc (09022015). Collection method: clinical testing. Allele origin: germline.
Comment: In summary, the available evidence is currently insufficient to determine the role of this variant in disease. Therefore, it has been classified as a Variant of Uncertain Significance. Advanced modeling of protein sequence and biophysical properties (such as structural, functional, and spatial information, amino acid conservation, physicochemical variation, residue mobility, and thermodynamic stability) performed at Invitae indicates that this missense variant is expected to disrupt EP300 protein function. This variant has not been reported in the literature in individuals affected with EP300-related conditions. This variant is not present in population databases (gnomAD no frequency). This sequence change replaces valine, which is neutral and non-polar, with leucine, which is neutral and non-polar, at codon 1685 of the EP300 protein (p.Val1685Leu).